The following is an entry in ClinVar:

NM_021008.4(DEAF1):c.1544G>A (p.Cys515Tyr)

Gene: DEAF1 (DEAF1 transcription factor; minus strand). Cytogenetic location: 11p15.5.
Variant type: single nucleotide variant.
Coding change: c.1544G>A on transcript NM_021008.4 (MANE Select); coding-DNA position 1544, G replaced by A.
Protein change: p.Cys515Tyr; replaces cysteine 515 with tyrosine.
Molecular consequence: missense variant.
Genome position (GRCh38, 1-based): chr11:654,011, C>T on the plus strand (G>A on the coding strand, the complement: DEAF1 is on the minus strand). VCF-style: chr11-654011-C-T. GRCh37 (hg19) VCF-style: chr11-654011-C-T.
Other names: c.1319G>A, p.Cys440Tyr (NM_001293634.2); c.818G>A, p.Cys273Tyr (NM_001367390.1); short protein forms C515Y, C440Y, C273Y.
Identifiers: ClinVar variation 377282 (VCV000377282.3), dbSNP rs1057520182, ClinGen allele CA16603325.

ClinVar aggregate classification (germline): Uncertain significance (1 of 4 stars; one submission).

Submission:

Center for Pediatric Genomic Medicine, Children's Mercy Hospital and Clinics
Classification: Uncertain significance. Last evaluated: 2016-11-10. Review status: criteria provided, single submitter. Criteria: ACMG Guidelines, 2015. Collection method: clinical testing. Allele origin: germline.
ClinVar note: Converted during submission from Uncertain Significance to Uncertain significance.